The following is an entry in ClinVar:

ClinVar aggregate classification (germline): Uncertain significance (1 of 4 stars; one submission).

Conditions:
Dilated cardiomyopathy 1J (CMD1J). Also called: CARDIOMYOPATHY, DILATED, WITH SENSORINEURAL HEARING LOSS, AUTOSOMAL DOMINANT. Identifiers: Orphanet 217622, MedGen C1854368, MONDO:0011541, OMIM 605362.

Submission:

Labcorp Genetics (formerly Invitae), Labcorp
Classification: Uncertain significance for Dilated cardiomyopathy 1J. Last evaluated: 2025-07-03. Review status: criteria provided, single submitter. Criteria: Invitae Variant Classification Sherloc (09022015). Collection method: clinical testing. Allele origin: germline.
Comment: This sequence change replaces glycine, which is neutral and non-polar, with valine, which is neutral and non-polar, at codon 443 of the EYA4 protein (p.Gly443Val). This variant is not present in population databases (gnomAD no frequency). This variant has not been reported in the literature in individuals affected with EYA4-related conditions. Invitae Evidence Modeling of protein sequence and biophysical properties (such as structural, functional, and spatial information, amino acid conservation, physicochemical variation, residue mobility, and thermodynamic stability) indicates that this missense variant is expected to disrupt EYA4 protein function with a positive predictive value of 80%. In summary, the available evidence is currently insufficient to determine the role of this variant in disease. Therefore, it has been classified as a Variant of Uncertain Significance.

NM_004100.5(EYA4):c.1328G>T (p.Gly443Val)

Genes: TARID (TCF21 antisense RNA inducing promoter demethylation; minus strand), EYA4 (EYA transcriptional coactivator and phosphatase 4; plus strand). Cytogenetic location: 6q23.2.
Variant type: single nucleotide variant.
Coding change: c.1328G>T on transcript NM_004100.5 (MANE Select); coding-DNA position 1328, G replaced by T.
Protein change: p.Gly443Val; replaces glycine 443 with valine.
Molecular consequence: missense variant.
Genome position (GRCh38, 1-based): chr6:133,512,767, G>T. VCF-style: chr6-133512767-G-T. GRCh37 (hg19) VCF-style: chr6-133833905-G-T.
Other names: c.1166G>T, p.Gly389Val (NM_001301012.2); c.1346G>T, p.Gly449Val (NM_001301013.2); c.1259G>T, p.Gly420Val (NM_001370458.1, NM_172103.4); c.1184G>T, p.Gly395Val (NM_001370459.1); c.1328G>T, p.Gly443Val (NM_172105.4); short protein forms G389V, G395V, G420V, G443V, G449V.
Identifiers: ClinVar variation 4745072 (VCV004745072.1).
Genomic context (GRCh38, chr6:133,512,767, plus strand): 5'-AATGTTTTTAACAGGAGTGTGATCAAGTTCATATAGATGATGTTTCCTCTGATGATAATG[G>T]GCAGGACTTAAGGTAAGCTATGCCTTTCAGTATGCTGTTTCCTACAGAAATTCGGCTGTG-3'
Protein context (NP_004091.3, residues 433-453): HIDDVSSDDN[Gly443Val]QDLSTYSFAT